The following is an entry in ClinVar:

ClinVar aggregate classification (germline): Conflicting classifications of pathogenicity. Review status: criteria provided, conflicting classifications (1 of 4 stars). 2 submissions from 2 submitters: Likely pathogenic (1); Uncertain significance (1). Last evaluated 2024-10-22.

Conditions:
Oxoglutaricaciduria. Identifiers: Orphanet 31, MedGen C2752074, MONDO:0008759, OMIM 203740.

Allele frequency attached by ClinVar (database versions not stated): gnomAD exomes 0.00001.
gnomAD v4.1: 10 of 1,614,098 alleles (0.00062%); highest among the groups gnomAD compares: South Asian, 0.0022%; no homozygotes.

Submissions (2):

Labcorp Genetics (formerly Invitae), Labcorp
Classification: Uncertain significance for Oxoglutaricaciduria. Last evaluated: 2024-10-22. Review status: criteria provided, single submitter. Criteria: Invitae Variant Classification Sherloc (09022015). Collection method: clinical testing. Allele origin: germline.
Comment: This sequence change replaces valine, which is neutral and non-polar, with methionine, which is neutral and non-polar, at codon 486 of the OGDH protein (p.Val486Met). This variant is not present in population databases (gnomAD no frequency). This variant has not been reported in the literature in individuals affected with OGDH-related conditions. ClinVar contains an entry for this variant (Variation ID: 1445925). Invitae Evidence Modeling of protein sequence and biophysical properties (such as structural, functional, and spatial information, amino acid conservation, physicochemical variation, residue mobility, and thermodynamic stability) indicates that this missense variant is not expected to disrupt OGDH protein function with a negative predictive value of 80%. In summary, the available evidence is currently insufficient to determine the role of this variant in disease. Therefore, it has been classified as a Variant of Uncertain Significance.

Laboratorio de Biologia Molecular - Genetica, Hospital de Pediatria Garrahan
Classification: Likely pathogenic for Oxoglutaricaciduria. Last evaluated: 2024-09-12. Review status: criteria provided, single submitter. Criteria: ACMG Guidelines, 2015. Collection method: clinical testing. Allele origin: maternal. Inheritance: Autosomal recessive inheritance. Affected: yes. Observed: 1 compound heterozygote.
Comment: The missense variant NM_002541.4: c.1456G>A was identified in exon 11 of the OGDH gene in compound heterozygosity with the likely pathogenic variant NM_002541.4: c.1669-9A>G. This variant involves a protein change from Valine to Methionine at position 486 (p.(Val486Met)). It has a very low frequency in population databases (<0.001). In addition, this variant is located in a gene that has low tolerance to missense changes (Z score: 5.6). On the other hand, bioinformatics tools indicate that the variant would have a deleterious effect on the functionality of the protein (REVEL: 0.81; AlphaMissense: 0.89).

Literature cited by the submitters: PubMed 32383294 (cited by Laboratorio de Biologia Molecular - Genetica, Hospital de Pediatria Garrahan); PubMed 36520152 (cited by Laboratorio de Biologia Molecular - Genetica, Hospital de Pediatria Garrahan).

NM_002541.4(OGDH):c.1456G>A (p.Val486Met)

Gene: OGDH (oxoglutarate dehydrogenase; plus strand). Cytogenetic location: 7p13.
Variant type: single nucleotide variant.
Coding change: c.1456G>A on transcript NM_002541.4 (MANE Select); coding-DNA position 1456, G replaced by A.
Protein change: p.Val486Met; replaces valine 486 with methionine.
Molecular consequence: missense variant.
Genome position (GRCh38, 1-based): chr7:44,693,945, G>A. VCF-style: chr7-44693945-G-A. GRCh37 (hg19) VCF-style: chr7-44733544-G-A.
Other names: c.1444G>A, p.Val482Met (NM_001165036.2); c.1489G>A, p.Val497Met (NM_001363523.2); short protein forms V497M, V482M, V486M.
Identifiers: ClinVar variation 1445925 (VCV001445925.8), dbSNP rs1788472672, ClinGen allele CA367417952.